The following is an entry in ClinVar:

ClinVar aggregate classification (germline): Uncertain significance (1 of 4 stars; one submission).

Conditions:
Retinitis pigmentosa 88. Identifiers: MedGen C5394208, MONDO:0032940, OMIM 618826.

Submission:

Victorian Clinical Genetics Services, Murdoch Childrens Research Institute
Classification: Uncertain significance for Retinitis pigmentosa 88. Last evaluated: 2021-05-06. Review status: criteria provided, single submitter. Criteria: ACMG Guidelines, 2015. Collection method: clinical testing. Allele origin: germline. Inheritance: Autosomal recessive inheritance. Affected: yes.
Comment: Based on the classification scheme VCGS_Germline_v1.3.4, this variant is classified as VUS-3C. Following criteria are met: 0102 - Loss of function is a known mechanism of disease in this gene and is associated with autosomal recessive retinitis pigmentosa 88 (MIM#618826). On the other hand, the mechanism for autosomal dominant occult macular dystrophy (MIM#613587) remains unknown. (I) 0108 - This gene is associated with both recessive and dominant disease. However, the genotype-phenotype correlation is yet to be established (PMID: 32360662). (I) 0112 - The condition associated with this gene has incomplete penetrance (PMID: 30025130). (I) 0200 - Variant is predicted to result in a missense amino acid change from glycine to glutamic acid. (I) 0251 - This variant is heterozygous. (I) 0301 - Variant is absent from gnomAD (both v2 and v3). (SP) 0503 - Missense variant consistently predicted to be tolerated by multiple in silico tools or not conserved in placental mammals with a minor amino acid change. (SB) 0604 - Variant is not located in an established domain, motif, hotspot or informative constraint region. (I) 0705 - No comparable missense variants have previous evidence for pathogenicity. (I) 0807 - This variant has no previous evidence of pathogenicity. (I) 0905 - No published segregation evidence has been identified for this variant. (I) 1007 - No published functional evidence has been identified for this variant. (I) 1208 - Inheritance information for this variant is not currently available in this individual. (I) Legend: (SP) - Supporting pathogenic, (I) - Information, (SB) - Supporting benign

Literature cited by the submitters: PubMed 30025130; PubMed 32360662.

NM_178857.6(RP1L1):c.5411G>A (p.Gly1804Glu)

Gene: RP1L1 (RP1 like 1). Cytogenetic location: 8p23.1.
Variant type: single nucleotide variant.
Coding change: c.5411G>A on transcript NM_178857.6 (MANE Select); coding-DNA position 5411, G replaced by A.
Protein change: p.Gly1804Glu; replaces glycine 1804 with glutamic acid.
Molecular consequence: missense variant.
Genome position (GRCh38, 1-based): chr8:10,608,687, C>T on the plus strand (G>A on the coding strand, the complement: RP1L1 is on the minus strand). VCF-style: chr8-10608687-C-T. GRCh37 (hg19) VCF-style: chr8-10466197-C-T.
Other names: short protein forms G1804E.
Identifiers: ClinVar variation 3376893 (VCV003376893.1).